The following is an entry in ClinVar:

NM_004415.4(DSP):c.111C>T (p.Thr37=)

Genes: DSP (desmoplakin; plus strand), DSP-AS1 (DSP antisense RNA 1; minus strand). Cytogenetic location: 6p24.3.
Variant type: single nucleotide variant.
Coding change: c.111C>T on transcript NM_004415.4 (MANE Select); coding-DNA position 111, C replaced by T.
Protein change: p.Thr37=; no amino-acid change (threonine 37 retained).
Molecular consequence: synonymous variant.
Genome position (GRCh38, 1-based): chr6:7,542,026, C>T. VCF-style: chr6-7542026-C-T. GRCh37 (hg19) VCF-style: chr6-7542259-C-T.
Other names: c.111C>T, p.Thr37= (NM_001008844.3, NM_001319034.2).
Identifiers: ClinVar variation 762020 (VCV000762020.36), dbSNP rs727502995, ClinGen allele CA448529404.

ClinVar aggregate classification (germline): Likely benign. Review status: criteria provided, multiple submitters, no conflicts (2 of 4 stars). 5 submissions from 5 submitters: Likely benign (5). Last evaluated 2025-11-25.

Conditions:
Arrhythmogenic cardiomyopathy with wooly hair and keratoderma. Also called: Dilated cardiomyopathy with woolly hair and keratoderma; Carvajal syndrome; PALMOPLANTAR KERATODERMA WITH LEFT VENTRICULAR CARDIOMYOPATHY AND WOOLLY HAIR; Arrhythmogenic cardiomyopathy with woolly hair and keratoderma. Identifiers: Orphanet 65282, MedGen C1854063, MONDO:0011581, OMIM 605676.
Arrhythmogenic right ventricular dysplasia 8 (ARVD8). Also called: ARRHYTHMOGENIC RIGHT VENTRICULAR DYSPLASIA, FAMILIAL, 8; ARRHYTHMOGENIC RIGHT VENTRICULAR CARDIOMYOPATHY 8; Arrhythmogenic Right Ventricular Dysplasia/Cardiomyopathy 8. Identifiers: MedGen C1843896, MONDO:0011831, OMIM 607450.
Cardiovascular phenotype. Identifiers: MedGen CN230736.
Cardiomyopathy (CMYO). Also called: Cardiomyopathies. Identifiers: Orphanet 167848, MedGen C0878544, MONDO:0004994, HP:0001638. Inheritance: Various modes of inheritance.

Allele frequency attached by ClinVar (database versions not stated): gnomAD 0.00001; gnomAD exomes 0.00002; TOPMed 0.00002.
gnomAD v4.1: 7 of 1,582,376 alleles (0.00044%); highest among the groups gnomAD compares: Non-Finnish European, 0.0006%; no homozygotes.

Submissions (5):

Labcorp Genetics (formerly Invitae), Labcorp
Classification: Likely benign for Arrhythmogenic cardiomyopathy with wooly hair and keratoderma; Arrhythmogenic right ventricular dysplasia 8. Last evaluated: 2025-11-25. Review status: criteria provided, single submitter. Criteria: Invitae Variant Classification Sherloc (09022015). Collection method: clinical testing. Allele origin: germline.

All of Us Research Program, National Institutes of Health
Classification: Likely benign for Arrhythmogenic cardiomyopathy with wooly hair and keratoderma. Last evaluated: 2024-05-14. Review status: criteria provided, single submitter. Criteria: ACMG Guidelines, 2015. Collection method: clinical testing. Allele origin: germline. Inheritance: Autosomal dominant inheritance. Observed: 1 variant allele, 1 heterozygote.
Comment: This study involves interpretation of variants in research participants for the purpose of population health screening. Participant phenotype was not available at the time of variant classification. Additional details can be found in publication PMID: 35346344, PMCID: PMC8962531

Ambry Genetics
Classification: Likely benign for Cardiovascular phenotype. Last evaluated: 2024-03-11. Review status: criteria provided, single submitter. Criteria: Ambry Variant Classification Scheme 2023. Collection method: clinical testing. Allele origin: germline.

CeGaT Center for Human Genetics Tuebingen
Classification: Likely benign. Last evaluated: 2023-02-01. Review status: criteria provided, single submitter. Criteria: CeGaT Center For Human Genetics Tuebingen Variant Classification Criteria Version 2. Collection method: clinical testing. Allele origin: germline. Affected: yes. Observed: 1 variant allele.
Comment: DSP: BP4, BP7

Color Diagnostics, LLC DBA Color Health
Classification: Likely benign for Cardiomyopathy. Last evaluated: 2019-03-19. Review status: criteria provided, single submitter. Criteria: ACMG Guidelines, 2015. Collection method: clinical testing. Allele origin: germline.